The following is an entry in ClinVar:

NM_201384.3(PLEC):c.991G>C (p.Ala331Pro)

Gene: PLEC (plectin; minus strand). Cytogenetic location: 8q24.3.
Variant type: single nucleotide variant.
Coding change: c.991G>C on transcript NM_201384.3 (MANE Select); coding-DNA position 991, G replaced by C.
Protein change: p.Ala331Pro; replaces alanine 331 with proline.
Molecular consequence: missense variant.
Genome position (GRCh38, 1-based): chr8:143,934,685, C>G on the plus strand (G>C on the coding strand, the complement: PLEC is on the minus strand). VCF-style: chr8-143934685-C-G. GRCh37 (hg19) VCF-style: chr8-145008853-C-G.
Other names: c.1072G>C, p.Ala358Pro (NM_000445.5, NM_001410941.1); c.949G>C, p.Ala317Pro (NM_201378.4); c.925G>C, p.Ala309Pro (NM_201379.3); c.1402G>C, p.Ala468Pro (NM_201380.4); c.895G>C, p.Ala299Pro (NM_201381.3); c.991G>C, p.Ala331Pro (NM_201382.4); c.1003G>C, p.Ala335Pro (NM_201383.3); short protein forms A309P, A335P, A468P, A317P, A331P, A358P, A299P.
Identifiers: ClinVar variation 1945503 (VCV001945503.5), dbSNP rs782338088, ClinGen allele CA372585485.

ClinVar aggregate classification (germline): Uncertain significance (1 of 4 stars; one submission).

Conditions:
Epidermolysis bullosa simplex with nail dystrophy (EBS5D). Identifiers: MedGen C4225309, MONDO:0014661, OMIM 616487.
Epidermolysis bullosa simplex 5B, with muscular dystrophy (EBS5B). Also called: Epidermolysis bullosa simplex with muscular dystrophy; EPIDERMOLYSIS BULLOSA SIMPLEX AND LIMB-GIRDLE MUSCULAR DYSTROPHY. Identifiers: Orphanet 257, MedGen C2931072, MONDO:0009181, OMIM 226670.
Epidermolysis bullosa simplex, Ogna type (EBS5A). Also called: EPIDERMOLYSIS BULLOSA SIMPLEX 5A, OGNA TYPE; Pidermolysis bullosa simplex 5A, Ogna type. Identifiers: Orphanet 79401, MedGen C0432317, MONDO:0007555, OMIM 131950.
Epidermolysis bullosa simplex 5C, with pyloric atresia (EBS5C). Also called: PLEC-Related Epidermolysis Bullosa with Pyloric Atresia; Epidermolysis bullosa simplex with pyloric atresia; PLEC1-Related Epidermolysis Bullosa with Pyloric Atresia. Identifiers: Orphanet 158684, MedGen C2677349, MONDO:0012807, OMIM 612138.
Autosomal recessive limb-girdle muscular dystrophy type 2Q (LGMDR17). Also called: MUSCULAR DYSTROPHY, LIMB-GIRDLE, AUTOSOMAL RECESSIVE 17. Identifiers: Orphanet 254361, MedGen C3150989, MONDO:0013390, OMIM 613723.

gnomAD v4.1: 2 of 1,613,018 alleles (0.00012%); highest among the groups gnomAD compares: Admixed American, 0.0017%; no homozygotes.

Submission:

Labcorp Genetics (formerly Invitae), Labcorp
Classification: Uncertain significance for Autosomal recessive limb-girdle muscular dystrophy type 2Q; Epidermolysis bullosa simplex, Ogna type; Epidermolysis bullosa simplex with nail dystrophy; Epidermolysis bullosa simplex 5C, with pyloric atresia; Epidermolysis bullosa simplex 5B, with muscular dystrophy. Last evaluated: 2022-05-31. Review status: criteria provided, single submitter. Criteria: Invitae Variant Classification Sherloc (09022015). Collection method: clinical testing. Allele origin: germline.
Comment: In summary, the available evidence is currently insufficient to determine the role of this variant in disease. Therefore, it has been classified as a Variant of Uncertain Significance. Algorithms developed to predict the effect of missense changes on protein structure and function are either unavailable or do not agree on the potential impact of this missense change (SIFT: "Deleterious"; PolyPhen-2: "Not Available"; Align-GVGD: "Class C0"). This variant has not been reported in the literature in individuals affected with PLEC-related conditions. This variant is not present in population databases (gnomAD no frequency). This sequence change replaces alanine, which is neutral and non-polar, with proline, which is neutral and non-polar, at codon 358 of the PLEC protein (p.Ala358Pro).